The following is an entry in ClinVar:

NM_000435.3(NOTCH3):c.4556T>C (p.Leu1519Pro)

Gene: NOTCH3 (notch receptor 3; minus strand). Cytogenetic location: 19p13.12.
Variant type: single nucleotide variant.
Coding change: c.4556T>C on transcript NM_000435.3 (MANE Select); coding-DNA position 4556, T replaced by C.
Protein change: p.Leu1519Pro; replaces leucine 1519 with proline.
Molecular consequence: missense variant.
Genome position (GRCh38, 1-based): chr19:15,174,248, A>G on the plus strand (T>C on the coding strand, the complement: NOTCH3 is on the minus strand). VCF-style: chr19-15174248-A-G. GRCh37 (hg19) VCF-style: chr19-15285059-A-G.
Other names: short protein forms L1519P.
Identifiers: ClinVar variation 55850 (VCV000055850.12), dbSNP rs367543285, ClinGen allele CA144192.

ClinVar aggregate classification (germline): Likely pathogenic. Review status: criteria provided, single submitter (1 of 4 stars). 3 submissions from 3 submitters: Likely pathogenic (1). 2 of the submissions do not count toward it. Last evaluated 2026-01-27.

Conditions:
Myofibromatosis, infantile, 2. Identifiers: Orphanet 2591, MedGen C3809084, MONDO:0014122, OMIM 615293.
Myofibromatosis, infantile, 1. Also called: Myofibromatosis, juvenile. Identifiers: Orphanet 2591, MedGen C4551572, MONDO:0009227, OMIM 228550.

Submissions (3):

GeneDx
Classification: Likely pathogenic. Last evaluated: 2026-01-27. Review status: criteria provided, single submitter. Criteria: GeneDx Variant Classification Process June 2021. Collection method: clinical testing. Allele origin: germline.
Comment: Published functional studies demonstrate a gain of function damaging effect and and is associated with elevated ligand-independent S2 proteolytic processing of NOTCH3, hyperactivation of downstream Notch genes and altered subcellular localization (PMID: 33509954); Not observed at significant frequency in large population cohorts (gnomAD); In silico analysis supports that this missense variant has a deleterious effect on protein structure/function; This variant is associated with the following publications: (PMID: 23731542, 33509954)

OMIM
Classification: Pathogenic for MYOFIBROMATOSIS, INFANTILE, 2 (1 family). Last evaluated: 2013-06-06. Review status: no assertion criteria provided. Collection method: literature only. Allele origin: germline. Not counted in ClinVar's aggregate classification.

Center for Applied Genomics, Children's Hospital of Philadelphia
No classification provided. Condition: Infantile myofibromatosis 1. Review status: no classification provided. Collection method: not provided. Allele origin: germline. Not counted in ClinVar's aggregate classification.

Literature cited by the submitters: PubMed 23731542 (cited by OMIM).